The following is an entry in ClinVar:

ClinVar aggregate classification (germline): Uncertain significance (1 of 4 stars; one submission).

Submission:

Labcorp Genetics (formerly Invitae), Labcorp
Classification: Uncertain significance. Last evaluated: 2024-05-29. Review status: criteria provided, single submitter. Criteria: Invitae Variant Classification Sherloc (09022015). Collection method: clinical testing. Allele origin: germline.
Comment: This variant, c.402_404dup, results in the insertion of 1 amino acid(s) of the PBX1 protein (p.Ala135dup), but otherwise preserves the integrity of the reading frame. This variant is present in population databases (rs774278800, gnomAD 0.03%). This variant has not been reported in the literature in individuals affected with PBX1-related conditions. Experimental studies and prediction algorithms are not available or were not evaluated, and the functional significance of this variant is currently unknown. In summary, the available evidence is currently insufficient to determine the role of this variant in disease. Therefore, it has been classified as a Variant of Uncertain Significance.

NM_002585.4(PBX1):c.396GGC[4] (p.Ala135_Ser136insAla)

Gene: PBX1 (PBX homeobox 1; plus strand). Cytogenetic location: 1q23.3.
Variant type: Microsatellite.
Coding change: c.396GGC[4] on transcript NM_002585.4 (MANE Select); four copies in a row of the 3-base unit GGC starting at c.396; the reference has three copies in a row; one copy, 3 bases duplicated.
Protein change: p.Ala135_Ser136insAla.
Molecular consequence: inframe insertion.
Genome position (GRCh38, 1-based): chr1:164,792,630-164,792,632, GGC duplicated; duplicating any 3 consecutive bases within chr1:164,792,622-164,792,632 gives the same sequence; the position shown is the placement nearest the transcript's 3' end. VCF-style (leftmost placement, unchanged base first): chr1-164792621-A-AGCG. GRCh37 (hg19) VCF-style: chr1-164761858-A-AGCG.
Other names: c.396GGC[4], p.Ala135_Ser136insAla (NM_001204961.2, NM_001204963.2, NM_001353131.2); c.147GGC[4], p.Ala52_Ser53insAla (NM_001353130.1).
Identifiers: ClinVar variation 2158220 (VCV002158220.4), dbSNP rs774278800, ClinGen allele CA1219364.